The following is an entry in ClinVar:

ClinVar aggregate classification (germline): Likely benign. Review status: criteria provided, multiple submitters, no conflicts (2 of 4 stars). 2 submissions from 2 submitters: Likely benign (2). Last evaluated 2018-01-12.

Conditions:
Hypokalemic periodic paralysis, type 1. Also called: Hypokalemic Periodic Paralysis Type 1 (AD); HypoPP. Identifiers: Orphanet 681, MedGen C3714580, MONDO:0042979, OMIM 170400.

Allele frequency attached by ClinVar (database versions not stated): gnomAD 0.00026 and 0.00029; gnomAD exomes 0.00037; 1000 Genomes Project 30x 0.00094; TOPMed 0.00048; 1000 Genomes Project 0.00080.
gnomAD v4.1: 300 of 840,000 alleles (0.036%); highest among the groups gnomAD compares: East Asian, 0.66%; 3 homozygotes.

Submissions (2):

Illumina Laboratory Services, Illumina
Classification: Likely benign for Hypokalemic periodic paralysis, type 1. Last evaluated: 2018-01-12. Review status: criteria provided, single submitter. Criteria: ICSL Variant Classification Criteria 13 December 2019. Collection method: clinical testing. Allele origin: germline.
Comment: This variant was observed in the ICSL laboratory as part of a predisposition screen in an ostensibly healthy population. It had not been previously curated by ICSL or reported in the Human Gene Mutation Database (HGMD: prior to June 1st, 2018), and was therefore a candidate for classification through an automated scoring system. Utilizing variant allele frequency, disease prevalence and penetrance estimates, and inheritance mode, an automated score was calculated to assess if this variant is too frequent to cause the disease. Based on the score and internal cut-off values, a variant classified as likely benign is not then subjected to further curation. The score for this variant resulted in a classification of likely benign for this disease.

Breakthrough Genomics
Classification: Likely benign. Review status: criteria provided, single submitter. Criteria: ACMG Guidelines, 2015. Collection method: not provided. Allele origin: germline. Inheritance: Autosomal dominant inheritance. Affected: yes.

NM_000069.3(CACNA1S):c.*163G>A

Gene: CACNA1S (calcium voltage-gated channel subunit alpha1 S; minus strand). Cytogenetic location: 1q32.1.
Variant type: single nucleotide variant.
Coding change: c.*163G>A on transcript NM_000069.3 (MANE Select); 163 bases downstream of the stop codon, G replaced by A.
Molecular consequence: 3 prime UTR variant.
Genome position (GRCh38, 1-based): chr1:201,039,668, C>T on the plus strand (G>A on the coding strand, the complement: CACNA1S is on the minus strand). VCF-style: chr1-201039668-C-T. GRCh37 (hg19) VCF-style: chr1-201008796-C-T.
Identifiers: ClinVar variation 294700 (VCV000294700.6), dbSNP rs200126670, ClinGen allele CA10609348.